The following is an entry in ClinVar:

ClinVar aggregate classification (germline): Conflicting classifications of pathogenicity. Review status: criteria provided, conflicting classifications (1 of 4 stars). 5 submissions from 5 submitters: Uncertain significance (1); Likely benign (4). Last evaluated 2025-08-14.

Conditions:
Familial thoracic aortic aneurysm and aortic dissection (TAAD). Also called: Thoracic aortic aneurysms and dissections. Identifiers: Orphanet 91387, MedGen C4707243, MONDO:0019625.
Aortic aneurysm, familial thoracic 4 (AAT4). Also called: AORTIC ANEURYSM/AORTIC DISSECTION AND PATENT DUCTUS ARTERIOSUS. Identifiers: MedGen C1851504, MONDO:0007568, OMIM 132900.

Allele frequency attached by ClinVar (database versions not stated): ExAC 0.00007; 1000 Genomes Project 0.00020; 1000 Genomes Project 30x 0.00031.
gnomAD v4.1: 31 of 1,614,182 alleles (0.0019%); highest among the groups gnomAD compares: East Asian, 0.067%; no homozygotes.

Submissions (5):

Labcorp Genetics (formerly Invitae), Labcorp
Classification: Likely benign for Aortic aneurysm, familial thoracic 4. Last evaluated: 2025-08-14. Review status: criteria provided, single submitter. Criteria: Invitae Variant Classification Sherloc (09022015). Collection method: clinical testing. Allele origin: germline.

All of Us Research Program, National Institutes of Health
Classification: Likely benign for Familial thoracic aortic aneurysm and aortic dissection. Last evaluated: 2023-11-02. Review status: criteria provided, single submitter. Criteria: ACMG Guidelines, 2015. Collection method: clinical testing. Allele origin: germline. Inheritance: Autosomal dominant inheritance. Observed: 2 variant alleles, 2 heterozygotes.
Comment: This study involves interpretation of variants in research participants for the purpose of population health screening. Participant phenotype was not available at the time of variant classification. Additional details can be found in publication PMID: 35346344, PMCID: PMC8962531

Color Diagnostics, LLC DBA Color Health
Classification: Likely benign for Familial thoracic aortic aneurysm and aortic dissection. Last evaluated: 2020-05-12. Review status: criteria provided, single submitter. Criteria: ACMG Guidelines, 2015. Collection method: clinical testing. Allele origin: germline.

Illumina Laboratory Services, Illumina
Classification: Uncertain significance for Aortic aneurysm, familial thoracic 4. Last evaluated: 2018-01-13. Review status: criteria provided, single submitter. Criteria: ICSL Variant Classification Criteria 13 December 2019. Collection method: clinical testing. Allele origin: germline.

Ambry Genetics
Classification: Likely benign for Familial thoracic aortic aneurysm and aortic dissection. Last evaluated: 2016-05-19. Review status: criteria provided, single submitter. Criteria: Ambry Variant Classification Scheme 2023. Collection method: clinical testing. Allele origin: germline.

NM_002474.3(MYH11):c.1341C>A (p.Thr447=)

Gene: MYH11 (myosin heavy chain 11; minus strand). Cytogenetic location: 16p13.11.
Variant type: single nucleotide variant.
Coding change: c.1341C>A on transcript NM_002474.3 (MANE Select); coding-DNA position 1341, C replaced by A.
Protein change: p.Thr447=; no amino-acid change (threonine 447 retained).
Molecular consequence: synonymous variant.
Genome position (GRCh38, 1-based): chr16:15,759,636, G>T on the plus strand (C>A on the coding strand, the complement: MYH11 is on the minus strand). VCF-style: chr16-15759636-G-T. GRCh37 (hg19) VCF-style: chr16-15853493-G-T.
Other names: c.1362C>A, p.Thr454= (NM_001040113.2, NM_001040114.2); c.1341C>A, p.Thr447= (NM_022844.3).
Identifiers: ClinVar variation 519939 (VCV000519939.22), dbSNP rs200660016, ClinGen allele CA7922637.
Genomic context (GRCh38, chr16:15,759,636, plus strand): 5'-CTCAAAGATCTCAAATCCAGCTATATCCAGGATCCCCAGGAAGGAAGCCCCTTGCCGATG[G>T]GTCTTGTCCAGGGCTTTGTTCACGCGGGTGAGTATCCAGCGGAAAAGGCGCTCATATGTT-3'
Protein context (NP_002465.1, residues 437-457): LTRVNKALDK[Thr447=]HRQGASFLGI